The following is an entry in ClinVar:

NM_001613.4(ACTA2):c.960G>A (p.Thr320=)

Genes: ACTA2 (actin alpha 2, smooth muscle; minus strand), ACTA2-AS1 (ACTA2 antisense RNA 1; plus strand). Cytogenetic location: 10q23.31.
Variant type: single nucleotide variant.
Coding change: c.960G>A on transcript NM_001613.4 (MANE Select); coding-DNA position 960, G replaced by A.
Protein change: p.Thr320=; no amino-acid change (threonine 320 retained).
Molecular consequence: synonymous variant.
Genome position (GRCh38, 1-based): chr10:88,938,091, C>T on the plus strand (G>A on the coding strand, the complement: ACTA2 is on the minus strand). VCF-style: chr10-88938091-C-T. GRCh37 (hg19) VCF-style: chr10-90697848-C-T.
Other names: c.960G>A, p.Thr320= (NM_001141945.3, NM_001320855.2, NM_001406462.1 and 2 more transcripts); c.849G>A, p.Thr283= (NM_001406466.1); c.831G>A, p.Thr277= (NM_001406467.1, NM_001406468.1, NM_001406469.1); c.768G>A, p.Thr256= (NM_001406471.1).
Identifiers: ClinVar variation 536921 (VCV000536921.18), dbSNP rs752425336, ClinGen allele CA030075.

ClinVar aggregate classification (germline): Likely benign. Review status: criteria provided, multiple submitters, no conflicts (2 of 4 stars). 5 submissions from 5 submitters: Likely benign (5). Last evaluated 2025-11-12.

Conditions:
Familial thoracic aortic aneurysm and aortic dissection (TAAD). Also called: Thoracic aortic aneurysms and dissections. Identifiers: Orphanet 91387, MedGen C4707243, MONDO:0019625.
Aortic aneurysm, familial thoracic 6 (AAT6). Also called: FAMILIAL THORACIC AORTIC ANEURYSM WITH LIVEDO RETICULARIS AND IRIS FLOCCULI. Identifiers: MedGen C2673186, MONDO:0012730, OMIM 611788.

Allele frequency attached by ClinVar (database versions not stated): ExAC 0.00002; gnomAD exomes 0.00002.
gnomAD v4.1: 24 of 1,613,980 alleles (0.0015%); highest among the groups gnomAD compares: South Asian, 0.0033%; no homozygotes.

Submissions (5):

Labcorp Genetics (formerly Invitae), Labcorp
Classification: Likely benign for Aortic aneurysm, familial thoracic 6. Last evaluated: 2025-11-12. Review status: criteria provided, single submitter. Criteria: Invitae Variant Classification Sherloc (09022015). Collection method: clinical testing. Allele origin: germline.

All of Us Research Program, National Institutes of Health
Classification: Likely benign for Familial thoracic aortic aneurysm and aortic dissection. Last evaluated: 2023-11-20. Review status: criteria provided, single submitter. Criteria: ACMG Guidelines, 2015. Collection method: clinical testing. Allele origin: germline. Inheritance: Autosomal dominant inheritance. Observed: 2 variant alleles, 2 heterozygotes.
Comment: This study involves interpretation of variants in research participants for the purpose of population health screening. Participant phenotype was not available at the time of variant classification. Additional details can be found in publication PMID: 35346344, PMCID: PMC8962531

Ambry Genetics
Classification: Likely benign for Familial thoracic aortic aneurysm and aortic dissection. Last evaluated: 2020-10-23. Review status: criteria provided, single submitter. Criteria: Ambry Variant Classification Scheme 2023. Collection method: clinical testing. Allele origin: germline.

Color Diagnostics, LLC DBA Color Health
Classification: Likely benign for Familial thoracic aortic aneurysm and aortic dissection. Last evaluated: 2020-03-17. Review status: criteria provided, single submitter. Criteria: ACMG Guidelines, 2015. Collection method: clinical testing. Allele origin: germline.

GeneDx
Classification: Likely benign. Last evaluated: 2018-04-06. Review status: criteria provided, single submitter. Criteria: GeneDx Variant Classification (06012015). Collection method: clinical testing. Allele origin: germline. Affected: yes.
Comment: This variant is considered likely benign or benign based on one or more of the following criteria: it is a conservative change, it occurs at a poorly conserved position in the protein, it is predicted to be benign by multiple in silico algorithms, and/or has population frequency not consistent with disease.